The following is an entry in ClinVar:

NM_004698.4(PRPF3):c.508-9A>G

Gene: PRPF3 (pre-mRNA processing factor 3; plus strand). Cytogenetic location: 1q21.2.
Variant type: single nucleotide variant.
Coding change: c.508-9A>G on transcript NM_004698.4 (MANE Select); 9 bases into the intron before coding-DNA position 508, A replaced by G.
Molecular consequence: intron variant.
Genome position (GRCh38, 1-based): chr1:150,332,970, A>G. VCF-style: chr1-150332970-A-G. GRCh37 (hg19) VCF-style: chr1-150305441-A-G.
Other names: c.508-9A>G (NM_004698.2); c.103-9A>G (NM_001350529.1).
Identifiers: ClinVar variation 1158106 (VCV001158106.11), dbSNP rs781839797, ClinGen allele CA1075461.

ClinVar aggregate classification (germline): Likely benign. Review status: criteria provided, multiple submitters, no conflicts (2 of 4 stars). 3 submissions from 3 submitters: Likely benign (3). Last evaluated 2025-09-30.

Conditions:
PRPF3-related disorder. Also called: PRPF3-related condition.

Allele frequency attached by ClinVar (database versions not stated): gnomAD 0.00002; ExAC 0.00002.
gnomAD v4.1: 81 of 1,608,438 alleles (0.005%); highest among the groups gnomAD compares: Non-Finnish European, 0.0065%; no homozygotes.

Submissions (3):

PreventionGenetics, part of Exact Sciences
Classification: Likely benign for PRPF3-related condition. Last evaluated: 2025-09-30. Review status: criteria provided, single submitter. Criteria: ACMG Guidelines, 2015. Collection method: clinical testing. Allele origin: germline.
Comment: This variant is classified as likely benign based on ACMG/AMP sequence variant interpretation guidelines (Richards et al. 2015 PMID: 25741868, with internal and published modifications).

Labcorp Genetics (formerly Invitae), Labcorp
Classification: Likely benign. Last evaluated: 2025-05-28. Review status: criteria provided, single submitter. Criteria: Invitae Variant Classification Sherloc (09022015). Collection method: clinical testing. Allele origin: germline.

Blueprint Genetics
Classification: Likely benign. Last evaluated: 2023-01-10. Review status: criteria provided, single submitter. Criteria: ACMG Guidelines, 2015. Collection method: clinical testing. Allele origin: germline.